The following is an entry in ClinVar:

ClinVar aggregate classification (germline): Pathogenic (1 of 4 stars; one submission).

Conditions:
Pontocerebellar hypoplasia type 2E. Identifiers: Orphanet 247198, MedGen C4014488, MONDO:0014370, OMIM 615851.

Submission:

Myriad Genetics, Inc.
Classification: Pathogenic for Pontocerebellar hypoplasia type 2E. Last evaluated: 2024-11-02. Review status: criteria provided, single submitter. Criteria: Myriad Autosomal Dominant, Autosomal Recessive and X-Linked Classification Criteria (2023). Collection method: clinical testing. Allele origin: unknown.
Comment: NM_001128159.2(VPS53):c.1450C>T(Q484*) is expected to be pathogenic in the context of pontocerebellar hypoplasia, VPS53-related. This variant is predicted to lead to an abnormal or absent protein product due to the creation of a premature termination codon in VPS53, a gene where loss-of-function variants are known to be pathogenic. Please note: this variant was assessed in the context of healthy population screening.

NM_001128159.3(VPS53):c.1450C>T (p.Gln484Ter)

Gene: VPS53 (VPS53 subunit of GARP complex; minus strand). Cytogenetic location: 17p13.3.
Variant type: single nucleotide variant.
Coding change: c.1450C>T on transcript NM_001128159.3 (MANE Select); coding-DNA position 1450, C replaced by T.
Protein change: p.Gln484Ter; replaces glutamine 484 with a stop codon.
Molecular consequence: nonsense.
Genome position (GRCh38, 1-based): chr17:562,609, G>A on the plus strand (C>T on the coding strand, the complement: VPS53 is on the minus strand). VCF-style: chr17-562609-G-A. GRCh37 (hg19) VCF-style: chr17-465849-G-A.
Other names: c.1450C>T, p.Gln484Ter (NM_001366253.2); c.856C>T, p.Gln286Ter (NM_001366254.2); c.1363C>T, p.Gln455Ter (NM_018289.4); short protein forms Q286*, Q455*, Q484*.
Identifiers: ClinVar variation 5013698 (VCV005013698.1).